The following is an entry in ClinVar:

NM_017570.5(OPLAH):c.471G>A (p.Thr157=)

Gene: OPLAH (5-oxoprolinase, ATP-hydrolysing; minus strand). Cytogenetic location: 8q24.3.
Variant type: single nucleotide variant.
Coding change: c.471G>A on transcript NM_017570.5 (MANE Select); coding-DNA position 471, G replaced by A.
Protein change: p.Thr157=; no amino-acid change (threonine 157 retained).
Molecular consequence: synonymous variant.
Genome position (GRCh38, 1-based): chr8:144,058,889, C>T on the plus strand (G>A on the coding strand, the complement: OPLAH is on the minus strand). VCF-style: chr8-144058889-C-T. GRCh37 (hg19) VCF-style: chr8-145113792-C-T.
Identifiers: ClinVar variation 785272 (VCV000785272.14), dbSNP rs145079111, ClinGen allele CA4932264.

ClinVar aggregate classification (germline): Benign/Likely benign. Review status: criteria provided, multiple submitters, no conflicts (2 of 4 stars). 5 submissions from 5 submitters: Benign (2); Likely benign (2). 1 of the submissions does not count toward it. Last evaluated 2025-12-08.

Conditions:
OPLAH-related disorder. Also called: OPLAH-related condition.
5-Oxoprolinase deficiency (OPLAHD). Also called: 5-OXOPROLINURIA DUE TO 5-OXOPROLINASE DEFICIENCY. Identifiers: Orphanet 33572, MedGen C0268525, MONDO:0009825, OMIM 260005, HP:0040142.

Allele frequency attached by ClinVar (database versions not stated): gnomAD exomes 0.00064; ESP Exome Variant Server 0.00168; gnomAD 0.00313 and 0.00324; TOPMed 0.00344; 1000 Genomes Project 0.00519; 1000 Genomes Project 30x 0.00578.
gnomAD v4.1: 966 of 1,550,172 alleles (0.062%); highest among the groups gnomAD compares: African/African-American, 1.1%; 5 homozygotes.

Submissions (5):

Labcorp Genetics (formerly Invitae), Labcorp
Classification: Benign for 5-Oxoprolinase deficiency. Last evaluated: 2025-12-08. Review status: criteria provided, single submitter. Criteria: Invitae Variant Classification Sherloc (09022015). Collection method: clinical testing. Allele origin: germline.

Blueprint Genetics
Classification: Likely benign. Last evaluated: 2024-11-26. Review status: criteria provided, single submitter. Criteria: ACMG Guidelines, 2015. Collection method: clinical testing. Allele origin: germline.

Fulgent Genetics
Classification: Likely benign for 5-Oxoprolinase deficiency. Last evaluated: 2021-08-09. Review status: criteria provided, single submitter. Criteria: ACMG Guidelines, 2015. Collection method: clinical testing. Allele origin: unknown.

Breakthrough Genomics
Classification: Benign. Review status: criteria provided, single submitter. Criteria: ACMG Guidelines, 2015. Collection method: not provided. Allele origin: germline. Inheritance: Autosomal recessive inheritance. Affected: yes.

PreventionGenetics, part of Exact Sciences
Classification: Likely benign for OPLAH-related condition. Last evaluated: 2019-03-12. Review status: no assertion criteria provided. Collection method: clinical testing. Allele origin: germline. Not counted in ClinVar's aggregate classification.
Comment: This variant is classified as likely benign based on ACMG/AMP sequence variant interpretation guidelines (Richards et al. 2015 PMID: 25741868, with internal and published modifications).